The following is an entry in ClinVar:

NM_006939.4(SOS2):c.2058-36T>C

Gene: SOS2 (SOS Ras/Rho guanine nucleotide exchange factor 2; minus strand). Cytogenetic location: 14q21.3.
Variant type: single nucleotide variant.
Coding change: c.2058-36T>C on transcript NM_006939.4 (MANE Select); 36 bases into the intron before coding-DNA position 2058, T replaced by C.
Molecular consequence: intron variant.
Genome position (GRCh38, 1-based): chr14:50,153,209, A>G on the plus strand (T>C on the coding strand, the complement: SOS2 is on the minus strand). VCF-style: chr14-50153209-A-G. GRCh37 (hg19) VCF-style: chr14-50619927-A-G.
Identifiers: ClinVar variation 561601 (VCV000561601.2), dbSNP rs11628935, ClinGen allele CA7177138.
Genomic context (GRCh38, chr14:50,153,209, plus strand): 5'-CCAATGCCGAAATACATTTAAGATCCTGATAAAATGGAAAGAAACACATTTTAGTGAAAC[A>G]TAAGTGTTCAATTACACTTCTTCCTTCTCTAATGCCACGATAATAGCTTTACATACAAGG-3'

ClinVar aggregate classification (germline): Benign. Review status: criteria provided, multiple submitters, no conflicts (2 of 4 stars). 2 submissions from 2 submitters: Benign (2). Last evaluated 2018-06-14.

Allele frequency attached by ClinVar (database versions not stated): 1000 Genomes Project 30x 0.24250; 1000 Genomes Project 0.24720; TOPMed 0.28418; gnomAD 0.30690; ESP Exome Variant Server 0.31342.
gnomAD v4.1: 443,577 of 1,212,410 alleles (37%); highest among the groups gnomAD compares: Non-Finnish European, 40%; 85,666 homozygotes.

Submissions (2):

GeneDx
Classification: Benign. Last evaluated: 2018-06-14. Review status: criteria provided, single submitter. Criteria: GeneDx Variant Classification (06012015). Collection method: clinical testing. Allele origin: germline. Affected: yes.
Comment: This variant is considered likely benign or benign based on one or more of the following criteria: it is a conservative change, it occurs at a poorly conserved position in the protein, it is predicted to be benign by multiple in silico algorithms, and/or has population frequency not consistent with disease.

Breakthrough Genomics
Classification: Benign. Review status: criteria provided, single submitter. Criteria: ACMG Guidelines, 2015. Collection method: not provided. Allele origin: germline. Inheritance: Autosomal dominant inheritance. Affected: yes.